The following is an entry in ClinVar:

NC_000020.10:g.(?_5896972)_(6012016_?)del

Genes: CHGB (chromogranin B; plus strand), CRLS1 (cardiolipin synthase 1; plus strand), MCM8 (minichromosome maintenance 8 homologous recombination repair factor; plus strand), TRMT6 (tRNA methyltransferase 6 non-catalytic subunit; minus strand). Cytogenetic location: 20p12.3.
Variant type: Deletion.
Identifiers: ClinVar variation 2427039 (VCV002427039.3).

ClinVar aggregate classification (germline): Pathogenic (1 of 4 stars; one submission).

Submission:

Labcorp Genetics (formerly Invitae), Labcorp
Classification: Pathogenic. Last evaluated: 2022-06-27. Review status: criteria provided, single submitter. Criteria: Invitae Variant Classification Sherloc (09022015). Collection method: clinical testing. Allele origin: germline.
Comment: A gross deletion of the genomic region encompassing the full coding sequence of the MCM8 gene has been identified. Loss-of-function variants in MCM8 are known to be pathogenic (PMID: 22771120, 25873734, 31042289). The boundaries of this event are unknown as they extend beyond the assayed region for this gene and therefore may encompass additional genes. This variant has not been reported in the literature in individuals affected with MCM8-related conditions. For these reasons, this variant has been classified as Pathogenic.

Literature cited by the submitters: PubMed 22771120; PubMed 25873734; PubMed 31042289.